The following is an entry in ClinVar:

NM_001375567.1(FOCAD):c.5356C>G (p.Leu1786Val)

Gene: FOCAD (focadhesin; plus strand). Cytogenetic location: 9p21.3.
Variant type: single nucleotide variant.
Coding change: c.5356C>G on transcript NM_001375567.1 (MANE Select); coding-DNA position 5356, C replaced by G.
Protein change: p.Leu1786Val; replaces leucine 1786 with valine.
Molecular consequence: missense variant.
Genome position (GRCh38, 1-based): chr9:20,995,579, C>G. VCF-style: chr9-20995579-C-G. GRCh37 (hg19) VCF-style: chr9-20995578-C-G.
Other names: c.5251C>G, p.Leu1751Val (NM_001375568.1, NM_001375570.1); c.5356C>G, p.Leu1786Val (NM_017794.5); short protein forms L1751V, L1786V.
Identifiers: ClinVar variation 2253093 (VCV002253093.4), dbSNP rs1203257715, ClinGen allele CA373057607.
Genomic context (GRCh38, chr9:20,995,579, plus strand): 5'-TTTCAAATGCAGCCATACCTATATTTTGTCCCCTTAGCCACCCTGCTGTCCTTGAGAGTT[C>G]TCCCAGAGTTTAAGAAGAAAGCTGTATGGACCAGAGCATATGGTTGGTGAACAGTTTTGC-3'
Protein context (NP_001362496.1, residues 1776-1796): LKATLLSLRV[Leu1786Val]PEFKKKAVWT

ClinVar aggregate classification (germline): Uncertain significance. Review status: criteria provided, multiple submitters, no conflicts (2 of 4 stars). 2 submissions from 2 submitters: Uncertain significance (2). Last evaluated 2025-09-17.

Conditions:
Inborn genetic diseases. Identifiers: MedGen C0950123, MeSH D030342.

gnomAD v4.1: 1 of 1,612,732 alleles (0.000062%); highest among the groups gnomAD compares: Admixed American, 0.0017%; no homozygotes.

Submissions (2):

Labcorp Genetics (formerly Invitae), Labcorp
Classification: Uncertain significance. Last evaluated: 2025-09-17. Review status: criteria provided, single submitter. Criteria: Invitae Variant Classification Sherloc (09022015). Collection method: clinical testing. Allele origin: germline.
Comment: This sequence change replaces leucine, which is neutral and non-polar, with valine, which is neutral and non-polar, at codon 1786 of the FOCAD protein (p.Leu1786Val). This variant is not present in population databases (gnomAD no frequency). This variant has not been reported in the literature in individuals affected with FOCAD-related conditions. ClinVar contains an entry for this variant (Variation ID: 2253093). Experimental studies and prediction algorithms are not available or were not evaluated, and the functional significance of this variant is currently unknown. In summary, the available evidence is currently insufficient to determine the role of this variant in disease. Therefore, it has been classified as a Variant of Uncertain Significance.

Ambry Genetics
Classification: Uncertain significance for Inborn genetic diseases. Last evaluated: 2021-10-05. Review status: criteria provided, single submitter. Criteria: Ambry Variant Classification Scheme 2023. Collection method: clinical testing. Allele origin: germline.